The following is an entry in ClinVar:

ClinVar aggregate classification (germline): Pathogenic (1 of 4 stars; one submission).

Conditions:
Inborn genetic diseases. Identifiers: MedGen C0950123, MeSH D030342.

gnomAD v4.1: 1 of 1,608,766 alleles (0.000062%); highest among the groups gnomAD compares: Non-Finnish European, 0.000085%; no homozygotes.

Submission:

Ambry Genetics
Classification: Pathogenic for Inborn genetic diseases. Last evaluated: 2026-01-15. Review status: criteria provided, single submitter. Criteria: Ambry Variant Classification Scheme 2023. Collection method: clinical testing. Allele origin: germline.
Comment: The c.1624C>T (p.Q542*) alteration, located in exon 9 (coding exon 6) of the ZMYM2 gene, consists of a C to T substitution at nucleotide position 1624. This changes the amino acid from a glutamine (Q) to a stop codon at amino acid position 542. This alteration is expected to result in loss of function by premature protein truncation or nonsense-mediated mRNA decay. This variant was not reported in population-based cohorts in the Genome Aggregation Database (gnomAD). Based on the available evidence, this alteration is classified as pathogenic.

NM_197968.4(ZMYM2):c.1624C>T (p.Gln542Ter)

Gene: ZMYM2 (zinc finger MYM-type containing 2; plus strand). Cytogenetic location: 13q12.11.
Variant type: single nucleotide variant.
Coding change: c.1624C>T on transcript NM_197968.4 (MANE Select); coding-DNA position 1624, C replaced by T.
Protein change: p.Gln542Ter; replaces glutamine 542 with a stop codon.
Molecular consequence: nonsense. On other transcripts: non-coding transcript variant (1).
Genome position (GRCh38, 1-based): chr13:20,026,651, C>T. VCF-style: chr13-20026651-C-T. GRCh37 (hg19) VCF-style: chr13-20600791-C-T.
Other names: c.1624C>T, p.Gln542Ter (NM_001190964.4, NM_001190965.4, NM_001353157.2 and 5 more transcripts); c.1429C>T, p.Gln477Ter (NM_001353161.3); c.1363C>T, p.Gln455Ter (NM_001353163.2); short protein forms Q542*, Q477*, Q455*.
Identifiers: ClinVar variation 4839279 (VCV004839279.1).
Genomic context (GRCh38, chr13:20,026,651, plus strand): 5'-TTTTTATGTTTCAAATTTTAGAAATATGGAAAACTGACAACTTGTACTGGTTGCCGAACA[C>T]AGTGCAGGTTTTTTGATATGACTCAGTGTATAGGTCCTAATGGATATATGGAGCCATATT-3'